The following is an entry in ClinVar:

ClinVar aggregate classification (germline): Uncertain significance. Review status: criteria provided, multiple submitters, no conflicts (2 of 4 stars). 2 submissions from 2 submitters: Uncertain significance (2). Last evaluated 2022-09-14.

Conditions:
Frontotemporal dementia (FTD1). Also called: Frontotemporal Dementia with Parkinsonism-17 (FTDP-17); MULTIPLE SYSTEM TAUOPATHY WITH PRESENILE DEMENTIA; WILHELMSEN-LYNCH DISEASE; Frontotemporal lobe dementia (FLDEM); FRONTOTEMPORAL DEMENTIA WITH PARKINSONISM; FRONTOTEMPORAL LOBE DEMENTIA. Identifiers: Orphanet 282, MedGen C0338451, MONDO:0017276, OMIM 600274, HP:0002145.

Allele frequency attached by ClinVar (database versions not stated): TOPMed 0.00001; gnomAD exomes 0.00002; ExAC 0.00003.
gnomAD v4.1: 19 of 1,612,152 alleles (0.0012%); highest among the groups gnomAD compares: East Asian, 0.0022%; no homozygotes.

Submissions (2):

Labcorp Genetics (formerly Invitae), Labcorp
Classification: Uncertain significance for Frontotemporal dementia. Last evaluated: 2022-09-14. Review status: criteria provided, single submitter. Criteria: Invitae Variant Classification Sherloc (09022015). Collection method: clinical testing. Allele origin: germline.
Comment: This sequence change replaces glutamic acid, which is acidic and polar, with lysine, which is basic and polar, at codon 9 of the MAPT protein (p.Glu9Lys). This variant is present in population databases (rs762595428, gnomAD 0.003%). This variant has not been reported in the literature in individuals affected with MAPT-related conditions. ClinVar contains an entry for this variant (Variation ID: 1335279). Algorithms developed to predict the effect of missense changes on protein structure and function (SIFT, PolyPhen-2, Align-GVGD) all suggest that this variant is likely to be tolerated. In summary, the available evidence is currently insufficient to determine the role of this variant in disease. Therefore, it has been classified as a Variant of Uncertain Significance.

CeGaT Center for Human Genetics Tuebingen
Classification: Uncertain significance. Last evaluated: 2021-11-01. Review status: criteria provided, single submitter. Criteria: CeGaT Center For Human Genetics Tuebingen Variant Classification Criteria Version 2. Collection method: clinical testing. Allele origin: germline. Affected: yes. Observed: 1 variant allele.

NM_001377265.1(MAPT):c.25G>A (p.Glu9Lys)

Gene: MAPT (microtubule associated protein tau). Cytogenetic location: 17q21.31.
Variant type: single nucleotide variant.
Coding change: c.25G>A on transcript NM_001377265.1 (MANE Select); coding-DNA position 25, G replaced by A.
Protein change: p.Glu9Lys; replaces glutamic acid 9 with lysine.
Molecular consequence: missense variant. On other transcripts: non-coding transcript variant (1).
Genome position (GRCh38, 1-based): chr17:45,962,362, G>A. VCF-style: chr17-45962362-G-A. GRCh37 (hg19) VCF-style: chr17-44039728-G-A.
Other names: c.25G>A, p.Glu9Lys (NM_001123066.4, NM_001123067.4, NM_001203251.2 and 8 more transcripts); short protein forms E9K.
Identifiers: ClinVar variation 1335279 (VCV001335279.41), dbSNP rs762595428, ClinGen allele CA8617496.